The following is an entry in ClinVar:

NM_005120.3(MED12):c.4416-77CTCTT[10]

Gene: MED12 (mediator complex subunit 12; plus strand). Cytogenetic location: Xq13.1.
Variant type: Microsatellite.
Coding change: c.4416-77CTCTT[10] on transcript NM_005120.3 (MANE Select); ten copies in a row of the 5-base unit CTCTT starting at c.4416-77.
Molecular consequence: intron variant.
Genome position: GRCh38 VCF-style: chrX-71132767-CCTCTTCTCTT-C. GRCh37 (hg19) VCF-style: chrX-70352617-CCTCTTCTCTT-C.
Identifiers: ClinVar variation 3055527 (VCV003055527.2), dbSNP rs56658066, ClinGen allele CA877816560.

ClinVar aggregate classification (germline): Likely benign (0 of 4 stars; one submission).

Conditions:
MED12-Related Disorders. Also called: MED12-related disorder; MED12-related condition. Identifiers: MedGen CN381102.

Submission:

PreventionGenetics, part of Exact Sciences
Classification: Likely benign for MED12-related condition. Last evaluated: 2020-10-30. Review status: no assertion criteria provided. Collection method: clinical testing. Allele origin: germline.
Comment: This variant is classified as likely benign based on ACMG/AMP sequence variant interpretation guidelines (Richards et al. 2015 PMID: 25741868, with internal and published modifications).